The following is an entry in ClinVar:

NM_001482.3(GATM):c.160G>A (p.Asp54Asn)

Gene: GATM (glycine amidinotransferase; minus strand). Cytogenetic location: 15q21.1.
Variant type: single nucleotide variant.
Coding change: c.160G>A on transcript NM_001482.3 (MANE Select); coding-DNA position 160, G replaced by A.
Protein change: p.Asp54Asn; replaces aspartic acid 54 with asparagine.
Molecular consequence: missense variant. On other transcripts: 5 prime UTR variant (1).
Genome position (GRCh38, 1-based): chr15:45,376,729, C>T on the plus strand (G>A on the coding strand, the complement: GATM is on the minus strand). VCF-style: chr15-45376729-C-T. GRCh37 (hg19) VCF-style: chr15-45668927-C-T.
Other names: c.-228G>A (NM_001321015.2); short protein forms D54N.
Identifiers: ClinVar variation 423739 (VCV000423739.16), dbSNP rs780777061, ClinGen allele CA7542985.

ClinVar aggregate classification (germline): Conflicting classifications of pathogenicity. Review status: criteria provided, conflicting classifications (1 of 4 stars). 5 submissions from 5 submitters: Uncertain significance (3); Likely benign (1). 1 of the submissions does not count toward it. Last evaluated 2026-01-09.

Conditions:
Fanconi renotubular syndrome 1. Also called: Toni-Debre-Fanconi syndrome; Neonatal De Toni-Debre-Fanconi syndrome; De Toni-Fanconi syndrome; FRTS1; LUDER-SHELDON SYNDROME. Identifiers: MedGen C4551503, MONDO:0024525, OMIM 134600.
Arginine:glycine amidinotransferase deficiency (CCDS3). Also called: Creatine deficiency syndrome due to AGAT deficiency; GATM deficiency; Cerebral creatine deficiency syndrome 3; L-Arginine:Glycine Amidinotransferase (AGAT) Deficiency; L-Arginine:Glycine Amidinotransferase Deficiency; AGAT deficiency. Identifiers: Orphanet 35704, MedGen C2675179, MONDO:0012996, OMIM 612718.
Seizure. Also called: Seizures. Identifiers: MedGen C0036572, HP:0001250.

Allele frequency attached by ClinVar (database versions not stated): ExAC 0.00003; TOPMed 0.00013; gnomAD 0.00015 and 0.00017.
gnomAD v4.1: 35 of 1,614,024 alleles (0.0022%); highest among the groups gnomAD compares: African/African-American, 0.041%; no homozygotes.

Submissions (5):

Labcorp Genetics (formerly Invitae), Labcorp
Classification: Likely benign for Arginine:glycine amidinotransferase deficiency. Last evaluated: 2026-01-09. Review status: criteria provided, single submitter. Criteria: Invitae Variant Classification Sherloc (09022015). Collection method: clinical testing. Allele origin: germline.

GeneDx
Classification: Uncertain significance. Last evaluated: 2025-11-23. Review status: criteria provided, single submitter. Criteria: GeneDx Variant Classification Process June 2021. Collection method: clinical testing. Allele origin: germline. Affected: yes.
Comment: In silico analysis suggests that this missense variant does not alter protein structure/function; Has not been previously published as pathogenic or benign to our knowledge; This variant is associated with the following publications: (PMID: 30019023)

Fulgent Genetics
Classification: Uncertain significance for Fanconi renotubular syndrome 1; Arginine:glycine amidinotransferase deficiency. Last evaluated: 2024-03-04. Review status: criteria provided, single submitter. Criteria: ACMG Guidelines, 2015. Collection method: clinical testing. Allele origin: germline.

Eurofins Ntd Llc (ga)
Classification: Uncertain significance. Last evaluated: 2018-02-10. Review status: criteria provided, single submitter. Criteria: EGL ClinVar v180209 classification definitions. Collection method: clinical testing. Allele origin: germline. Observed: 1 variant allele, 1 heterozygote.

Clinical Molecular Genetics Laboratory, Johns Hopkins All Children's Hospital
Classification: Uncertain significance for seizures. Last evaluated: 2017-08-04. Review status: no assertion criteria provided. Collection method: clinical testing. Allele origin: germline. Affected: yes. Not counted in ClinVar's aggregate classification.